The following is an entry in ClinVar:

NM_001321967.2(ATAD1):c.777G>T (p.Gln259His)

Gene: ATAD1 (ATPase family AAA domain containing 1; minus strand). Cytogenetic location: 10q23.31.
Variant type: single nucleotide variant.
Coding change: c.777G>T on transcript NM_001321967.2 (MANE Select); coding-DNA position 777, G replaced by T.
Protein change: p.Gln259His; replaces glutamine 259 with histidine.
Molecular consequence: missense variant. On other transcripts: non-coding transcript variant (1), intron variant (1).
Genome position (GRCh38, 1-based): chr10:87,770,955, C>A on the plus strand (G>T on the coding strand, the complement: ATAD1 is on the minus strand). VCF-style: chr10-87770955-C-A. GRCh37 (hg19) VCF-style: chr10-89530712-C-A.
Other names: c.420G>T, p.Gln140His (NM_001321969.2); c.777G>T, p.Gln259His (NM_032810.4); c.691-3232G>T (NM_001321968.2); short protein forms Q259H, Q140H.
Identifiers: ClinVar variation 4765190 (VCV004765190.1).

ClinVar aggregate classification (germline): Uncertain significance (1 of 4 stars; one submission).

Submission:

Labcorp Genetics (formerly Invitae), Labcorp
Classification: Uncertain significance. Last evaluated: 2025-10-14. Review status: criteria provided, single submitter. Criteria: Invitae Variant Classification Sherloc (09022015). Collection method: clinical testing. Allele origin: germline.
Comment: This sequence change replaces glutamine, which is neutral and polar, with histidine, which is basic and polar, at codon 259 of the ATAD1 protein (p.Gln259His). This variant is present in population databases (rs561622231, gnomAD 0.01%). This variant has not been reported in the literature in individuals affected with ATAD1-related conditions. An algorithm developed to predict the effect of missense changes on protein structure and function (PolyPhen-2) suggests that this variant is likely to be tolerated. In summary, the available evidence is currently insufficient to determine the role of this variant in disease. Therefore, it has been classified as a Variant of Uncertain Significance.